The following is an entry in ClinVar:

ClinVar aggregate classification (germline): Likely benign. Review status: criteria provided, multiple submitters, no conflicts (2 of 4 stars). 3 submissions from 3 submitters: Likely benign (3). Last evaluated 2026-01-14.

Conditions:
ADGRV1-related disorder. Also called: ADGRV1-related condition; ADGRV1-related disorders.

Allele frequency attached by ClinVar (database versions not stated): gnomAD exomes 0.00002; gnomAD 0.00003 and 0.00004; ExAC 0.00005; TOPMed 0.00006; ESP Exome Variant Server 0.00008.
gnomAD v4.1: 28 of 1,595,772 alleles (0.0018%); highest among the groups gnomAD compares: African/African-American, 0.015%; no homozygotes.

Submissions (3):

Labcorp Genetics (formerly Invitae), Labcorp
Classification: Likely benign. Last evaluated: 2026-01-14. Review status: criteria provided, single submitter. Criteria: Invitae Variant Classification Sherloc (09022015). Collection method: clinical testing. Allele origin: germline.

PreventionGenetics, part of Exact Sciences
Classification: Likely benign for ADGRV1-related condition. Last evaluated: 2025-03-05. Review status: criteria provided, single submitter. Criteria: ACMG Guidelines, 2015. Collection method: clinical testing. Allele origin: germline.
Comment: This variant is classified as likely benign based on ACMG/AMP sequence variant interpretation guidelines (Richards et al. 2015 PMID: 25741868, with internal and published modifications).

Blueprint Genetics
Classification: Likely benign. Last evaluated: 2024-03-19. Review status: criteria provided, single submitter. Criteria: ACMG Guidelines, 2015. Collection method: clinical testing. Allele origin: germline.

NM_032119.4(ADGRV1):c.18552C>T (p.Pro6184=)

Gene: ADGRV1 (adhesion G protein-coupled receptor V1; plus strand). Cytogenetic location: 5q14.3.
Variant type: single nucleotide variant.
Coding change: c.18552C>T on transcript NM_032119.4 (MANE Select); coding-DNA position 18552, C replaced by T.
Protein change: p.Pro6184=; no amino-acid change (proline 6184 retained).
Molecular consequence: synonymous variant. On other transcripts: non-coding transcript variant (1).
Genome position (GRCh38, 1-based): chr5:91,150,149, C>T. VCF-style: chr5-91150149-C-T. GRCh37 (hg19) VCF-style: chr5-90445966-C-T.
Other names: c.18552C>T (NM_032119.3).
Identifiers: ClinVar variation 1144206 (VCV001144206.11), dbSNP rs376764785, ClinGen allele CA3342683.